The following is an entry in ClinVar:

ClinVar aggregate classification (germline): Uncertain significance (1 of 4 stars; one submission).

Conditions:
Amelocerebrohypohidrotic syndrome (KTZS). Also called: Kohlschutter's syndrome; EPILEPSY AND YELLOW TEETH; EPILEPSY, DEMENTIA, AND AMELOGENESIS IMPERFECTA; KOHLSCHUTTER SYNDROME. Identifiers: Orphanet 1946, MedGen C0406740, MONDO:0009185, OMIM 226750.

Submission:

Labcorp Genetics (formerly Invitae), Labcorp
Classification: Uncertain significance for Amelocerebrohypohidrotic syndrome. Last evaluated: 2021-05-14. Review status: criteria provided, single submitter. Criteria: Invitae Variant Classification Sherloc (09022015). Collection method: clinical testing. Allele origin: germline.
Comment: This sequence change replaces glutamic acid with aspartic acid at codon 141 of the ROGDI protein (p.Glu141Asp). The glutamic acid residue is highly conserved and there is a small physicochemical difference between glutamic acid and aspartic acid. This variant is not present in population databases (ExAC no frequency). This variant has not been reported in the literature in individuals with ROGDI-related conditions. Algorithms developed to predict the effect of missense changes on protein structure and function are either unavailable or do not agree on the potential impact of this missense change (SIFT: "Tolerated"; PolyPhen-2: "Probably Damaging"; Align-GVGD: "Class C0"). In summary, the available evidence is currently insufficient to determine the role of this variant in disease. Therefore, it has been classified as a Variant of Uncertain Significance.

NM_024589.3(ROGDI):c.423G>C (p.Glu141Asp)

Gene: ROGDI (rogdi atypical leucine zipper; minus strand). Cytogenetic location: 16p13.3.
Variant type: single nucleotide variant.
Coding change: c.423G>C on transcript NM_024589.3 (MANE Select); coding-DNA position 423, G replaced by C.
Protein change: p.Glu141Asp; replaces glutamic acid 141 with aspartic acid.
Molecular consequence: missense variant. On other transcripts: non-coding transcript variant (1).
Genome position (GRCh38, 1-based): chr16:4,799,695, C>G on the plus strand (G>C on the coding strand, the complement: ROGDI is on the minus strand). VCF-style: chr16-4799695-C-G. GRCh37 (hg19) VCF-style: chr16-4849696-C-G.
Other names: short protein forms E141D.
Identifiers: ClinVar variation 959282 (VCV000959282.9), dbSNP rs758200466, ClinGen allele CA394653186.